The following is an entry in ClinVar:

ClinVar aggregate classification (germline): Conflicting classifications of pathogenicity. Review status: criteria provided, conflicting classifications (1 of 4 stars). 2 submissions from 2 submitters: Uncertain significance (1); Likely benign (1). Last evaluated 2022-10-06.

Conditions:
Cardiomyopathy (CMYO). Also called: Cardiomyopathies. Identifiers: Orphanet 167848, MedGen C0878544, MONDO:0004994, HP:0001638. Inheritance: Various modes of inheritance.
Cardiovascular phenotype. Identifiers: MedGen CN230736.

Allele frequency attached by ClinVar (database versions not stated): gnomAD exomes below 0.00001; ExAC 0.00001.

Submissions (2):

Color Diagnostics, LLC DBA Color Health
Classification: Likely benign for Cardiomyopathy. Last evaluated: 2022-10-06. Review status: criteria provided, single submitter. Criteria: ACMG Guidelines, 2015. Collection method: clinical testing. Allele origin: germline.

Ambry Genetics
Classification: Uncertain significance for Cardiovascular phenotype. Last evaluated: 2021-03-30. Review status: criteria provided, single submitter. Criteria: Ambry Variant Classification Scheme 2023. Collection method: clinical testing. Allele origin: germline.
Comment: The c.937-3C>T intronic variant results from a C to T substitution 3 nucleotides upstream from coding exon 6 in the LMNA gene. This nucleotide position is well conserved in available vertebrate species. In silico splice site analysis predicts that this alteration will not have any significant effect on splicing. Since supporting evidence is limited at this time, the clinical significance of this alteration remains unclear.

NM_170707.4(LMNA):c.937-3C>T

Gene: LMNA (lamin A/C; plus strand). Cytogenetic location: 1q22.
Variant type: single nucleotide variant.
Coding change: c.937-3C>T on transcript NM_170707.4 (MANE Select); 3 bases into the intron before coding-DNA position 937, C replaced by T.
Molecular consequence: intron variant. On other transcripts: nonsense (4).
Genome position (GRCh38, 1-based): chr1:156,135,898, C>T. VCF-style: chr1-156135898-C-T. GRCh37 (hg19) VCF-style: chr1-156105689-C-T.
Other names: c.310C>T, p.Gln104Ter (NM_001406994.1, NM_001406999.1, NM_001407000.1 and 1 more transcripts); c.937-3C>T (NM_001282625.2, NM_001282626.2, NM_170708.4 and 1 more transcripts); c.601-3C>T (NM_001257374.3); c.694-3C>T (NM_001282624.2); short protein forms Q104*.
Identifiers: ClinVar variation 1766725 (VCV001766725.4), dbSNP rs756694090, ClinGen allele CA054845.